The following is an entry in ClinVar:

NM_001287491.2(TET3):c.915A>T (p.Pro305=)

Gene: TET3 (tet methylcytosine dioxygenase 3; plus strand). Cytogenetic location: 2p13.1.
Variant type: single nucleotide variant.
Coding change: c.915A>T on transcript NM_001287491.2 (MANE Select); coding-DNA position 915, A replaced by T.
Protein change: p.Pro305=; no amino-acid change (proline 305 retained).
Molecular consequence: synonymous variant.
Genome position (GRCh38, 1-based): chr2:74,046,832, A>T. VCF-style: chr2-74046832-A-T. GRCh37 (hg19) VCF-style: chr2-74273959-A-T.
Other names: c.636A>T, p.Pro212= (NM_001366022.1).
Identifiers: ClinVar variation 4873031 (VCV004873031.2).

ClinVar aggregate classification (germline): Likely benign (1 of 4 stars; one submission).

Submission:

CeGaT Center for Human Genetics Tuebingen
Classification: Likely benign. Last evaluated: 2026-04-01. Review status: criteria provided, single submitter. Criteria: CeGaT Center For Human Genetics Tuebingen Variant Classification Criteria Version 2. Collection method: clinical testing. Allele origin: germline. Affected: yes. Observed: 1 variant allele.
Comment: TET3: PM2:Supporting, BP4, BP7